The following is an entry in ClinVar:

ClinVar aggregate classification (germline): Benign. Review status: criteria provided, multiple submitters, no conflicts (2 of 4 stars). 3 submissions from 3 submitters: Benign (3). Last evaluated 2026-01-30.

Allele frequency attached by ClinVar (database versions not stated): gnomAD exomes 0.00169 and 0.00420; ExAC 0.00500; gnomAD 0.01429 and 0.01512; TOPMed 0.01627; ESP Exome Variant Server 0.01638; 1000 Genomes Project 0.02077; 1000 Genomes Project 30x 0.02186.
gnomAD v4.1: 4,808 of 1,611,252 alleles (0.3%); highest among the groups gnomAD compares: African/African-American, 4.9%; 103 homozygotes.

Submissions (3):

Labcorp Genetics (formerly Invitae), Labcorp
Classification: Benign. Last evaluated: 2026-01-30. Review status: criteria provided, single submitter. Criteria: Invitae Variant Classification Sherloc (09022015). Collection method: clinical testing. Allele origin: germline.

GeneDx
Classification: Benign. Last evaluated: 2014-01-04. Review status: criteria provided, single submitter. Criteria: GeneDx Variant Classification (06012015). Collection method: clinical testing. Allele origin: germline. Affected: yes.
Comment: This variant is considered likely benign or benign based on one or more of the following criteria: it is a conservative change, it occurs at a poorly conserved position in the protein, it is predicted to be benign by multiple in silico algorithms, and/or has population frequency not consistent with disease.

Breakthrough Genomics
Classification: Benign. Review status: criteria provided, single submitter. Criteria: ACMG Guidelines, 2015. Collection method: not provided. Allele origin: germline. Inheritance: Autosomal recessive inheritance. Affected: yes.

NM_133259.4(LRPPRC):c.347-19A>G

Gene: LRPPRC (leucine rich pentatricopeptide repeat containing; minus strand). Cytogenetic location: 2p21.
Variant type: single nucleotide variant.
Coding change: c.347-19A>G on transcript NM_133259.4 (MANE Select); 19 bases into the intron before coding-DNA position 347, A replaced by G.
Molecular consequence: intron variant.
Genome position (GRCh38, 1-based): chr2:43,979,967, T>C on the plus strand (A>G on the coding strand, the complement: LRPPRC is on the minus strand). VCF-style: chr2-43979967-T-C. GRCh37 (hg19) VCF-style: chr2-44207106-T-C.
Identifiers: ClinVar variation 138140 (VCV000138140.11), dbSNP rs78083883, ClinGen allele CA291967.